The following is an entry in ClinVar:

NM_152490.5(B3GALNT2):c.29C>A (p.Pro10Gln)

Gene: B3GALNT2 (beta-1,3-N-acetylgalactosaminyltransferase 2; minus strand). Cytogenetic location: 1q42.3.
Variant type: single nucleotide variant.
Coding change: c.29C>A on transcript NM_152490.5 (MANE Select); coding-DNA position 29, C replaced by A.
Protein change: p.Pro10Gln; replaces proline 10 with glutamine.
Molecular consequence: missense variant.
Genome position (GRCh38, 1-based): chr1:235,504,224, G>T on the plus strand (C>A on the coding strand, the complement: B3GALNT2 is on the minus strand). VCF-style: chr1-235504224-G-T. GRCh37 (hg19) VCF-style: chr1-235667524-G-T.
Other names: c.29C>A, p.Pro10Gln (NM_001277155.3); short protein forms P10Q.
Identifiers: ClinVar variation 1966689 (VCV001966689.2), dbSNP rs1335073175, ClinGen allele CA344937515.

ClinVar aggregate classification (germline): Uncertain significance (1 of 4 stars; one submission).

Conditions:
Muscular dystrophy-dystroglycanopathy (congenital with brain and eye anomalies), type a, 11 (MDDGA11). Also called: Muscular dystrophy-dystroglycanopathy (congenital with brain and eye anomalies, type A, 11; Congenital muscular dystrophy-dystroglycanopathy with brain and eye anomalies, type A11; WALKER-WARBURG SYNDROME OR MUSCLE-EYE-BRAIN DISEASE, B3GALNT2-RELATED. Identifiers: Orphanet 588, Orphanet 899, MedGen C3554638, MONDO:0014071, OMIM 615181.

Submission:

Labcorp Genetics (formerly Invitae), Labcorp
Classification: Uncertain significance for Muscular dystrophy-dystroglycanopathy (congenital with brain and eye anomalies), type a, 11. Last evaluated: 2022-01-28. Review status: criteria provided, single submitter. Criteria: Invitae Variant Classification Sherloc (09022015). Collection method: clinical testing. Allele origin: germline.
Comment: This sequence change replaces proline, which is neutral and non-polar, with glutamine, which is neutral and polar, at codon 10 of the B3GALNT2 protein (p.Pro10Gln). This variant is not present in population databases (gnomAD no frequency). This variant has not been reported in the literature in individuals affected with B3GALNT2-related conditions. Algorithms developed to predict the effect of missense changes on protein structure and function are either unavailable or do not agree on the potential impact of this missense change (SIFT: "Tolerated"; PolyPhen-2: "Probably Damaging"; Align-GVGD: "Class C0"). Algorithms developed to predict the effect of sequence changes on RNA splicing suggest that this variant may create or strengthen a splice site. In summary, the available evidence is currently insufficient to determine the role of this variant in disease. Therefore, it has been classified as a Variant of Uncertain Significance.